The following is an entry in ClinVar:

NM_014028.4(OSTM1):c.797G>A (p.Arg266Gln)

Gene: OSTM1 (osteoclastogenesis associated transmembrane protein 1; minus strand). Cytogenetic location: 6q21.
Variant type: single nucleotide variant.
Coding change: c.797G>A on transcript NM_014028.4 (MANE Select); coding-DNA position 797, G replaced by A.
Protein change: p.Arg266Gln; replaces arginine 266 with glutamine.
Molecular consequence: missense variant.
Genome position (GRCh38, 1-based): chr6:108,049,405, C>T on the plus strand (G>A on the coding strand, the complement: OSTM1 is on the minus strand). VCF-style: chr6-108049405-C-T. GRCh37 (hg19) VCF-style: chr6-108370609-C-T.
Other names: short protein forms R266Q.
Identifiers: ClinVar variation 1048826 (VCV001048826.4), dbSNP rs147618525, ClinGen allele CA3947956.

ClinVar aggregate classification (germline): Uncertain significance. Review status: criteria provided, single submitter (1 of 4 stars). 2 submissions from 2 submitters: Uncertain significance (1). 1 of the submissions does not count toward it. Last evaluated 2022-09-19.

Allele frequency attached by ClinVar (database versions not stated): TOPMed 0.00002; gnomAD exomes 0.00004; gnomAD 0.00001; ESP Exome Variant Server 0.00008; ExAC 0.00005.

Submissions (2):

Labcorp Genetics (formerly Invitae), Labcorp
Classification: Uncertain significance. Last evaluated: 2022-09-19. Review status: criteria provided, single submitter. Criteria: Invitae Variant Classification Sherloc (09022015). Collection method: clinical testing. Allele origin: germline.
Comment: This sequence change replaces arginine, which is basic and polar, with glutamine, which is neutral and polar, at codon 266 of the OSTM1 protein (p.Arg266Gln). This variant is present in population databases (rs147618525, gnomAD 0.005%). This variant has not been reported in the literature in individuals affected with OSTM1-related conditions. ClinVar contains an entry for this variant (Variation ID: 1048826). Advanced modeling of protein sequence and biophysical properties (such as structural, functional, and spatial information, amino acid conservation, physicochemical variation, residue mobility, and thermodynamic stability) performed at Invitae indicates that this missense variant is not expected to disrupt OSTM1 protein function. In summary, the available evidence is currently insufficient to determine the role of this variant in disease. Therefore, it has been classified as a Variant of Uncertain Significance.

Department of Pathology and Laboratory Medicine, Sinai Health System
Classification: Uncertain significance. Review status: no assertion criteria provided. Collection method: clinical testing. Allele origin: unknown. Affected: yes. Study: The Canadian Open Genetics Repository (COGR). Not counted in ClinVar's aggregate classification.
Comment: The OSTM1 p.Arg266Gln variant was not identified in the literature nor was it identified in ClinVar. The variant was identified in dbSNP (ID: rs147618525), Cosmic (FATHMM predicted pathogenic; score=0.96) and LOVD 3.0. The variant was also identified in control databases in 10 of 251424 chromosomes at a frequency of 0.00004 (Genome Aggregation Database Feb 27, 2017). The variant was observed in the following populations: Other in 2 of 6134 chromosomes (freq: 0.000326) and European (non-Finnish) in 8 of 113736 chromosomes (freq: 0.00007), while the variant was not observed in the African, Latino, Ashkenazi Jewish, East Asian, European (Finnish), and South Asian populations. The p.Arg266 residue is conserved in mammals and computational analyses (PolyPhen-2, SIFT, AlignGVGD, BLOSUM, MutationTaster) provide inconsistent predictions regarding the impact to the protein; this information is not very predictive of pathogenicity. The variant occurs outside of the splicing consensus sequence and in silico or computational prediction software programs (SpliceSiteFinder, MaxEntScan, NNSPLICE, GeneSplicer) do not predict a difference in splicing. In summary, based on the above information the clinical significance of this variant cannot be determined with certainty at this time. This variant is classified as a variant of uncertain significance.